The following is an entry in ClinVar:

ClinVar aggregate classification (germline): Conflicting classifications of pathogenicity. Review status: criteria provided, conflicting classifications (1 of 4 stars). 2 submissions from 2 submitters: Likely pathogenic (1); Uncertain significance (1). Last evaluated 2024-06-03.

Conditions:
Intellectual disability, autosomal recessive 53 (NEDHSCA). Also called: GLYCOSYLPHOSPHATIDYLINOSITOL BIOSYNTHESIS DEFECT 13; Mental retardation, autosomal recessive 53; NEURODEVELOPMENTAL DISORDER WITH OR WITHOUT HYPOTONIA, SEIZURES, AND CEREBELLAR ATROPHY. Identifiers: Orphanet 488635, MedGen C4310794, MONDO:0014832, OMIM 616917.

Allele frequency attached by ClinVar (database versions not stated): gnomAD exomes below 0.00001; ExAC 0.00001; gnomAD 0.00002; TOPMed 0.00003.
gnomAD v4.1: 7 of 1,613,896 alleles (0.00043%); highest among the groups gnomAD compares: African/African-American, 0.0053%; no homozygotes.

Submissions (2):

Labcorp Genetics (formerly Invitae), Labcorp
Classification: Uncertain significance for Intellectual disability, autosomal recessive 53. Last evaluated: 2024-06-03. Review status: criteria provided, single submitter. Criteria: Invitae Variant Classification Sherloc (09022015). Collection method: clinical testing. Allele origin: germline.
Comment: This sequence change replaces histidine, which is basic and polar, with arginine, which is basic and polar, at codon 214 of the PIGG protein (p.His214Arg). This variant is present in population databases (rs782157451, gnomAD 0.01%). This variant has not been reported in the literature in individuals affected with PIGG-related conditions. ClinVar contains an entry for this variant (Variation ID: 1805589). Advanced modeling of protein sequence and biophysical properties (such as structural, functional, and spatial information, amino acid conservation, physicochemical variation, residue mobility, and thermodynamic stability) performed at Invitae indicates that this missense variant is expected to disrupt PIGG protein function with a positive predictive value of 80%. In summary, the available evidence is currently insufficient to determine the role of this variant in disease. Therefore, it has been classified as a Variant of Uncertain Significance.

Victorian Clinical Genetics Services, Murdoch Childrens Research Institute
Classification: Likely pathogenic for Intellectual disability, autosomal recessive 53. Last evaluated: 2023-12-21. Review status: criteria provided, single submitter. Criteria: ACMG Guidelines, 2015. Collection method: clinical testing. Allele origin: germline. Inheritance: Autosomal recessive inheritance. Affected: yes.
Comment: Based on the classification scheme VCGS_Germline_v1.3.4, this variant is classified as Likely pathogenic. Following criteria are met: 0102 - Loss of function is a known mechanism of disease in this gene and is associated with neurodevelopmental disorder with or without hypotonia, seizures, and cerebellar atrophy (MIM#616917). (I) 0106 - This gene is associated with autosomal recessive disease. (I) 0200 - Variant is predicted to result in a missense amino acid change from histidine to arginine. (I) 0251 - This variant is heterozygous. (I) 0304 - Variant is present in gnomAD <0.01 for a recessive condition (5 heterozygotes, 0 homozygotes). (SP) 0502 - Missense variant with conflicting in silico predictions and uninformative conservation. (I) 0600 - Variant is located in the annotated phosphodiest domain (DECIPHER). (I) 0704 - Another missense variant comparable to the one identified in this case has limited previous evidence for pathogenicity. A homozygous change to tyrosine has been identified in an individual with severe intellectual disability, moderate developmental delay, hypotonia and absent Emm expression (ClinVar; PMID: 33763700). (SP) 0809 - Previous evidence of pathogenicity for this variant is inconclusive. It has been regarded as a VUS by a clinical laboratory (ClinVar). (I) 0905 - No published segregation evidence has been identified for this variant. (I) 1007 - No published functional evidence has been identified for this variant. (I) 1201 - Heterozygous variant detected in trans with a pathogenic heterozygous variant (NM_001127178.2(PIGG):c.1956G>A; p.(Trp652*)) in a recessive disease. (I) Legend: (SP) - Supporting pathogenic, (I) - Information, (SB) - Supporting benign

Literature cited by the submitters: PubMed 33763700 (cited by Victorian Clinical Genetics Services, Murdoch Childrens Research Institute).

NM_001127178.3(PIGG):c.641A>G (p.His214Arg)

Gene: PIGG (phosphatidylinositol glycan anchor biosynthesis class G (EMM blood group); plus strand). Cytogenetic location: 4p16.3.
Variant type: single nucleotide variant.
Coding change: c.641A>G on transcript NM_001127178.3 (MANE Select); coding-DNA position 641, A replaced by G.
Protein change: p.His214Arg; replaces histidine 214 with arginine.
Molecular consequence: missense variant. On other transcripts: 5 prime UTR variant (4), non-coding transcript variant (10), intron variant (1).
Genome position (GRCh38, 1-based): chr4:507,475, A>G. VCF-style: chr4-507475-A-G. GRCh37 (hg19) VCF-style: chr4-501264-A-G.
Other names: c.374A>G, p.His125Arg (NM_001289051.2, NM_001289053.2, NM_001289057.2 and 2 more transcripts); c.275A>G, p.His92Arg (NM_001289055.2); c.-247A>G (NM_001345988.2); c.641A>G, p.His214Arg (NM_001345989.2, NM_017733.5); c.-985A>G (NM_001345990.2); c.-847A>G (NM_001345991.2); c.-572A>G (NM_001345994.2); c.361-1354A>G (NM_001289052.2); short protein forms H125R, H214R, H92R.
Identifiers: ClinVar variation 1805589 (VCV001805589.7), dbSNP rs782157451, ClinGen allele CA2793052.